The following is an entry in ClinVar:

NC_000009.11:g.(?_75431039)_(75431146_?)del

Gene: TMC1 (transmembrane channel like 1; plus strand). Cytogenetic location: 9q21.13.
Variant type: Deletion.
Identifiers: ClinVar variation 3245391 (VCV003245391.1).

ClinVar aggregate classification (germline): Pathogenic (1 of 4 stars; one submission).

Submission:

Labcorp Genetics (formerly Invitae), Labcorp
Classification: Pathogenic. Last evaluated: 2023-04-16. Review status: criteria provided, single submitter. Criteria: Invitae Variant Classification Sherloc (09022015). Collection method: clinical testing. Allele origin: unknown.
Comment: This variant has not been reported in the literature in individuals affected with TMC1-related conditions. This variant is a gross deletion of the genomic region encompassing exon(s) 19 of the TMC1 gene. This deletion is out-of-frame, and is expected to create a premature termination codon and result in an absent or disrupted protein product. Loss-of-function variants in TMC1 are known to be pathogenic (PMID: 11850618, 22105175). For these reasons, this variant has been classified as Pathogenic.

Literature cited by the submitters: PubMed 11850618; PubMed 22105175.